The following is an entry in ClinVar:

ClinVar aggregate classification (germline): Uncertain significance. Review status: criteria provided, multiple submitters, no conflicts (2 of 4 stars). 3 submissions from 3 submitters: Uncertain significance (3). Last evaluated 2025-08-04.

Conditions:
Inborn genetic diseases. Identifiers: MedGen C0950123, MeSH D030342.

Allele frequency attached by ClinVar (database versions not stated): ExAC 0.00008; TOPMed 0.00019; gnomAD 0.00018; 1000 Genomes Project 30x 0.00031.
gnomAD v4.1: 47 of 1,614,086 alleles (0.0029%); highest among the groups gnomAD compares: African/African-American, 0.047%; no homozygotes.

Submissions (3):

Labcorp Genetics (formerly Invitae), Labcorp
Classification: Uncertain significance. Last evaluated: 2025-08-04. Review status: criteria provided, single submitter. Criteria: Invitae Variant Classification Sherloc (09022015). Collection method: clinical testing. Allele origin: germline.
Comment: This sequence change replaces alanine, which is neutral and non-polar, with proline, which is neutral and non-polar, at codon 255 of the GJB4 protein (p.Ala255Pro). This variant is present in population databases (rs199996022, gnomAD 0.06%), and has an allele count higher than expected for a pathogenic variant. This variant has not been reported in the literature in individuals affected with GJB4-related conditions. ClinVar contains an entry for this variant (Variation ID: 1723746). An algorithm developed to predict the effect of missense changes on protein structure and function (PolyPhen-2) suggests that this variant is likely to be tolerated. In summary, the available evidence is currently insufficient to determine the role of this variant in disease. Therefore, it has been classified as a Variant of Uncertain Significance.

Ambry Genetics
Classification: Uncertain significance for Inborn genetic diseases. Last evaluated: 2025-02-07. Review status: criteria provided, single submitter. Criteria: Ambry Variant Classification Scheme 2023. Collection method: clinical testing. Allele origin: germline.

GeneDx
Classification: Uncertain significance. Last evaluated: 2022-05-11. Review status: criteria provided, single submitter. Criteria: GeneDx Variant Classification Process June 2021. Collection method: clinical testing. Allele origin: germline. Affected: yes.
Comment: Has not been previously published as pathogenic or benign to our knowledge; In silico analysis supports that this missense variant does not alter protein structure/function

NM_153212.3(GJB4):c.763G>C (p.Ala255Pro)

Gene: GJB4 (gap junction protein beta 4; plus strand). Cytogenetic location: 1p34.3.
Variant type: single nucleotide variant.
Coding change: c.763G>C on transcript NM_153212.3 (MANE Select); coding-DNA position 763, G replaced by C.
Protein change: p.Ala255Pro; replaces alanine 255 with proline.
Molecular consequence: missense variant.
Genome position (GRCh38, 1-based): chr1:34,762,017, G>C. VCF-style: chr1-34762017-G-C. GRCh37 (hg19) VCF-style: chr1-35227618-G-C.
Other names: short protein forms A255P.
Identifiers: ClinVar variation 1723746 (VCV001723746.6), dbSNP rs199996022, ClinGen allele CA754680.